The following is an entry in ClinVar:

NM_001329943.3(KIAA0586):c.913C>T (p.Leu305Phe)

Gene: KIAA0586 (KIAA0586; plus strand). Cytogenetic location: 14q23.1.
Variant type: single nucleotide variant.
Coding change: c.913C>T on transcript NM_001329943.3 (MANE Select); coding-DNA position 913, C replaced by T.
Protein change: p.Leu305Phe; replaces leucine 305 with phenylalanine.
Molecular consequence: missense variant.
Genome position (GRCh38, 1-based): chr14:58,448,445, C>T. VCF-style: chr14-58448445-C-T. GRCh37 (hg19) VCF-style: chr14-58915163-C-T.
Other names: c.1072C>T, p.Leu358Phe (NM_001244189.2); c.868C>T, p.Leu290Phe (NM_001244190.2); c.658C>T, p.Leu220Phe (NM_001244191.2, NM_001329945.2, NM_001364700.1 and 1 more transcripts); c.781C>T, p.Leu261Phe (NM_001244192.2); c.493C>T, p.Leu165Phe (NM_001244193.2); c.913C>T, p.Leu305Phe (NM_001329944.2, NM_001329946.2, NM_001329947.2 and 1 more transcripts); c.913C>T (NM_014749.3); short protein forms L165F, L358F, L290F, L220F, L261F, L305F.
Identifiers: ClinVar variation 2053450 (VCV002053450.4), dbSNP rs1172036976, ClinGen allele CA389864119.

ClinVar aggregate classification (germline): Uncertain significance. Review status: criteria provided, multiple submitters, no conflicts (2 of 4 stars). 2 submissions from 2 submitters: Uncertain significance (2). Last evaluated 2025-07-12.

Conditions:
Short-rib thoracic dysplasia 14 with polydactyly (SRTD14). Identifiers: Orphanet 397715, MedGen C4225286, MONDO:0014688, OMIM 616546.
Joubert syndrome 23 (JBTS23). Identifiers: Orphanet 475, MedGen C4084822, MONDO:0014664, OMIM 616490.
Inborn genetic diseases. Identifiers: MedGen C0950123, MeSH D030342.

Allele frequency attached by ClinVar (database versions not stated): gnomAD exomes 0.00002.
gnomAD v4.1: 33 of 1,612,418 alleles (0.002%); highest among the groups gnomAD compares: Non-Finnish European, 0.0028%; no homozygotes.

Submissions (2):

Ambry Genetics
Classification: Uncertain significance for Inborn genetic diseases. Last evaluated: 2025-07-12. Review status: criteria provided, single submitter. Criteria: Ambry Variant Classification Scheme 2023. Collection method: clinical testing. Allele origin: germline.

Labcorp Genetics (formerly Invitae), Labcorp
Classification: Uncertain significance for Joubert syndrome 23; Short-rib thoracic dysplasia 14 with polydactyly. Last evaluated: 2025-01-02. Review status: criteria provided, single submitter. Criteria: Invitae Variant Classification Sherloc (09022015). Collection method: clinical testing. Allele origin: germline.
Comment: This sequence change replaces leucine, which is neutral and non-polar, with phenylalanine, which is neutral and non-polar, at codon 358 of the KIAA0586 protein (p.Leu358Phe). This variant is present in population databases (no rsID available, gnomAD 0.0009%). This variant has not been reported in the literature in individuals affected with KIAA0586-related conditions. ClinVar contains an entry for this variant (Variation ID: 2053450). Invitae Evidence Modeling of protein sequence and biophysical properties (such as structural, functional, and spatial information, amino acid conservation, physicochemical variation, residue mobility, and thermodynamic stability) indicates that this missense variant is not expected to disrupt KIAA0586 protein function with a negative predictive value of 80%. In summary, the available evidence is currently insufficient to determine the role of this variant in disease. Therefore, it has been classified as a Variant of Uncertain Significance.